The following is an entry in ClinVar:

ClinVar aggregate classification (germline): Uncertain significance (1 of 4 stars; one submission).

Submission:

Labcorp Genetics (formerly Invitae), Labcorp
Classification: Uncertain significance. Last evaluated: 2025-05-22. Review status: criteria provided, single submitter. Criteria: Invitae Variant Classification Sherloc (09022015). Collection method: clinical testing. Allele origin: germline.
Comment: This sequence change replaces threonine, which is neutral and polar, with isoleucine, which is neutral and non-polar, at codon 2854 of the DCHS1 protein (p.Thr2854Ile). This variant is not present in population databases (gnomAD no frequency). This variant has not been reported in the literature in individuals affected with DCHS1-related conditions. Invitae Evidence Modeling of protein sequence and biophysical properties (such as structural, functional, and spatial information, amino acid conservation, physicochemical variation, residue mobility, and thermodynamic stability) indicates that this missense variant is not expected to disrupt DCHS1 protein function with a negative predictive value of 80%. In summary, the available evidence is currently insufficient to determine the role of this variant in disease. Therefore, it has been classified as a Variant of Uncertain Significance.

NM_003737.4(DCHS1):c.8561C>T (p.Thr2854Ile)

Gene: DCHS1 (dachsous cadherin-related 1; minus strand). Cytogenetic location: 11p15.4.
Variant type: single nucleotide variant.
Coding change: c.8561C>T on transcript NM_003737.4 (MANE Select); coding-DNA position 8561, C replaced by T.
Protein change: p.Thr2854Ile; replaces threonine 2854 with isoleucine.
Molecular consequence: missense variant.
Genome position (GRCh38, 1-based): chr11:6,623,115, G>A on the plus strand (C>T on the coding strand, the complement: DCHS1 is on the minus strand). VCF-style: chr11-6623115-G-A. GRCh37 (hg19) VCF-style: chr11-6644346-G-A.
Other names: short protein forms T2854I.
Identifiers: ClinVar variation 4769832 (VCV004769832.1).